The following is an entry in ClinVar:

NM_000548.5(TSC2):c.2567T>A (p.Leu856His)

Gene: TSC2 (TSC complex subunit 2; plus strand). Cytogenetic location: 16p13.3.
Variant type: single nucleotide variant.
Coding change: c.2567T>A on transcript NM_000548.5 (MANE Select); coding-DNA position 2567, T replaced by A.
Protein change: p.Leu856His; replaces leucine 856 with histidine.
Molecular consequence: missense variant.
Genome position (GRCh38, 1-based): chr16:2,075,820, T>A. VCF-style: chr16-2075820-T-A. GRCh37 (hg19) VCF-style: chr16-2125821-T-A.
Other names: c.2567T>A, p.Leu856His (NM_001114382.3, NM_001363528.2, NM_001370404.1 and 3 more transcripts); c.2456T>A, p.Leu819His (NM_001318827.2); c.2420T>A, p.Leu807His (NM_001318829.2); c.1967T>A, p.Leu656His (NM_001318831.2); c.2600T>A, p.Leu867His (NM_001318832.2); short protein forms L656H, L807H, L819H, L856H, L867H.
Identifiers: ClinVar variation 1700886 (VCV001700886.4), dbSNP rs2151380235, ClinGen allele CA394278341.
Genomic context (GRCh38, chr16:2,075,820, plus strand): 5'-GGACCCCGGCTCCCCTGACCACCCTCTCCATTACCGCAGCTCTGGCCAGGCTGCCGCACC[T>A]CTACAGGAACTTTGCCGCGGAGCAGTATGCCAGTGTGTTCGCCATCTCCCTGCCGTACAC-3'
Protein context (NP_000539.2, residues 846-866): FLSTLARLPH[Leu856His]YRNFAAEQYA

ClinVar aggregate classification (germline): Uncertain significance. Review status: criteria provided, multiple submitters, no conflicts (2 of 4 stars). 2 submissions from 2 submitters: Uncertain significance (2). Last evaluated 2026-07-06.

Conditions:
Hereditary cancer-predisposing syndrome. Also called: Tumor predisposition; Hereditary neoplastic syndrome; Neoplastic Syndromes, Hereditary; Hereditary Cancer Syndrome. Identifiers: Orphanet 140162, MedGen C0027672, MeSH D009386, MONDO:0015356.

Submissions (2):

Ambry Genetics
Classification: Uncertain significance for Hereditary cancer-predisposing syndrome. Last evaluated: 2026-07-06. Review status: criteria provided, single submitter. Criteria: Ambry Variant Classification Scheme 2023. Collection method: clinical testing. Allele origin: germline.
Comment: The p.L856H variant (also known as c.2567T>A), located in coding exon 22 of the TSC2 gene, results from a T to A substitution at nucleotide position 2567. The leucine at codon 856 is replaced by histidine, an amino acid with similar properties. This amino acid position is highly conserved in available vertebrate species. In addition, this alteration is predicted to be deleterious by in silico analysis. Based on the available evidence, the clinical significance of this variant remains unclear.

GeneDx
Classification: Uncertain significance. Last evaluated: 2022-02-10. Review status: criteria provided, single submitter. Criteria: GeneDx Variant Classification Process June 2021. Collection method: clinical testing. Allele origin: germline. Affected: yes.
Comment: Not observed at significant frequency in large population cohorts (gnomAD); In silico analysis supports that this missense variant has a deleterious effect on protein structure/function; Has not been previously published as pathogenic or benign to our knowledge